The following is an entry in ClinVar:

NM_000553.6(WRN):c.3973G>A (p.Val1325Ile)

Gene: WRN (WRN RecQ like helicase; plus strand). Cytogenetic location: 8p12.
Variant type: single nucleotide variant.
Coding change: c.3973G>A on transcript NM_000553.6 (MANE Select); coding-DNA position 3973, G replaced by A.
Protein change: p.Val1325Ile; replaces valine 1325 with isoleucine.
Molecular consequence: missense variant.
Genome position (GRCh38, 1-based): chr8:31,157,521, G>A. VCF-style: chr8-31157521-G-A. GRCh37 (hg19) VCF-style: chr8-31015037-G-A.
Other names: p.Val1325Ile; short protein forms V1325I.
Identifiers: ClinVar variation 528131 (VCV000528131.9), dbSNP rs756510312, ClinGen allele CA4705218.

ClinVar aggregate classification (germline): Uncertain significance. Review status: criteria provided, multiple submitters, no conflicts (2 of 4 stars). 2 submissions from 2 submitters: Uncertain significance (2). Last evaluated 2025-09-22.

Conditions:
Werner syndrome (WRN). Identifiers: Orphanet 902, MedGen C0043119, MONDO:0010196, OMIM 277700.

Allele frequency attached by ClinVar (database versions not stated): gnomAD 0.00001; gnomAD exomes 0.00002 and 0.00003; TOPMed 0.00002; ExAC 0.00003.
gnomAD v4.1: 40 of 1,613,870 alleles (0.0025%); highest among the groups gnomAD compares: Middle Eastern, 0.016%; no homozygotes.

Submissions (2):

Labcorp Genetics (formerly Invitae), Labcorp
Classification: Uncertain significance for Werner syndrome. Last evaluated: 2025-09-22. Review status: criteria provided, single submitter. Criteria: Invitae Variant Classification Sherloc (09022015). Collection method: clinical testing. Allele origin: germline.
Comment: This sequence change replaces valine, which is neutral and non-polar, with isoleucine, which is neutral and non-polar, at codon 1325 of the WRN protein (p.Val1325Ile). This variant is present in population databases (rs756510312, gnomAD 0.003%). This variant has not been reported in the literature in individuals affected with WRN-related conditions. ClinVar contains an entry for this variant (Variation ID: 528131). An algorithm developed to predict the effect of missense changes on protein structure and function outputs the following: PolyPhen-2: "Benign". The isoleucine amino acid residue is found in multiple mammalian species, which suggests that this missense change does not adversely affect protein function. In summary, the available evidence is currently insufficient to determine the role of this variant in disease. Therefore, it has been classified as a Variant of Uncertain Significance.

Mayo Clinic Laboratories, Mayo Clinic
Classification: Uncertain significance. Last evaluated: 2024-01-04. Review status: criteria provided, single submitter. Criteria: ACMG Guidelines, 2015. Collection method: clinical testing. Allele origin: germline. Observed: 2 variant alleles.
Comment: BP4